The following is an entry in ClinVar:

ClinVar aggregate classification (germline): Likely pathogenic (1 of 4 stars; one submission).

Conditions:
Microcephaly 16, primary, autosomal recessive (MCPH16). Identifiers: Orphanet 2512, MedGen C4225249, MONDO:0014730, OMIM 616681.

Allele frequency attached by ClinVar (database versions not stated): ExAC 0.00001; gnomAD exomes 0.00002; TOPMed 0.00002.
gnomAD v4.1: 34 of 1,612,654 alleles (0.0021%); highest among the groups gnomAD compares: Non-Finnish European, 0.0028%; no homozygotes.

Submission:

Victorian Clinical Genetics Services, Murdoch Childrens Research Institute
Classification: Likely pathogenic for Microcephaly 16, primary, autosomal recessive. Last evaluated: 2023-07-17. Review status: criteria provided, single submitter. Criteria: ACMG Guidelines, 2015. Collection method: clinical testing. Allele origin: germline. Inheritance: Autosomal recessive inheritance. Affected: yes.
Comment: Based on the classification scheme VCGS_Germline_v1.3.4, this variant is classified as Likely pathogenic. Following criteria are met: 0102 - Loss of function is a known mechanism of disease in this gene and is associated with microcephaly 16, primary, autosomal recessive (MIM#616681). (I) 0106 - This gene is associated with autosomal recessive disease. (I) 0201 - Variant is predicted to cause nonsense-mediated decay (NMD) and loss of protein (premature termination codon is located at least 54 nucleotides upstream of the final exon-exon junction). (SP) 0251 - This variant is heterozygous. (I) 0304 - Variant is present in gnomAD (v2) <0.01 for a recessive condition (5 heterozygotes, 0 homozygotes). (SP) 0703 - Other NMD-predicted variants comparable to the one identified in this case have moderate previous evidence for pathogenicity. p.(Gln782*) has been observed as compound heterozygous in two affected siblings, and p.(Arg236*) has been observed as compound heterozygous in one affected individual (PMIDs: 25259927, 31735666). These individuals all had severe microcephaly, and brain and skin abnormalities. (SP) 0807 - This variant has no previous evidence of pathogenicity. (I) 0905 - No published segregation evidence has been identified for this variant. (I) 1007 - No published functional evidence has been identified for this variant. (I) Legend: (SP) - Supporting pathogenic, (I) - Information, (SB) - Supporting benign

Literature cited by the submitters: PubMed 25259927; PubMed 31735666.

NM_015114.3(ANKLE2):c.2495C>G (p.Ser832Ter)

Gene: ANKLE2 (ankyrin repeat and LEM domain containing 2; minus strand). Cytogenetic location: 12q24.33.
Variant type: single nucleotide variant.
Coding change: c.2495C>G on transcript NM_015114.3 (MANE Select); coding-DNA position 2495, C replaced by G.
Protein change: p.Ser832Ter; replaces serine 832 with a stop codon.
Molecular consequence: nonsense.
Genome position (GRCh38, 1-based): chr12:132,728,152, G>C on the plus strand (C>G on the coding strand, the complement: ANKLE2 is on the minus strand). VCF-style: chr12-132728152-G-C. GRCh37 (hg19) VCF-style: chr12-133304738-G-C.
Other names: short protein forms S832*.
Identifiers: ClinVar variation 3254693 (VCV003254693.1), dbSNP rs753680111.
Genomic context (GRCh38, chr12:132,728,152, plus strand): 5'-AACTGATGGGGGTCGACGTCTGCACATTCAAGAGCGGCCAAAACATCCTGATCGAGTTTT[G>C]ATGGCTCCTCTCTAGAAAGCACAATAAAAGAAGCAAAAACATCTTTGGTAAAAACATAAA-3'